The following is an entry in ClinVar:

ClinVar aggregate classification (germline): Uncertain significance (1 of 4 stars; one submission).

Allele frequency attached by ClinVar (database versions not stated): gnomAD exomes below 0.00001; ExAC 0.00001.
gnomAD v4.1: 3 of 1,614,220 alleles (0.00019%); highest among the groups gnomAD compares: African/African-American, 0.0013%; no homozygotes.

Submission:

GeneDx
Classification: Uncertain significance. Last evaluated: 2024-11-06. Review status: criteria provided, single submitter. Criteria: GeneDx Variant Classification Process June 2021. Collection method: clinical testing. Allele origin: germline. Affected: yes.
Comment: Not observed at significant frequency in large population cohorts (gnomAD); In silico analysis indicates that this missense variant does not alter protein structure/function; Has not been previously published as pathogenic or benign to our knowledge

NM_015346.4(ZFYVE26):c.6415C>T (p.Leu2139Phe)

Gene: ZFYVE26 (zinc finger FYVE-type containing 26; minus strand). Cytogenetic location: 14q24.1.
Variant type: single nucleotide variant.
Coding change: c.6415C>T on transcript NM_015346.4 (MANE Select); coding-DNA position 6415, C replaced by T.
Protein change: p.Leu2139Phe; replaces leucine 2139 with phenylalanine.
Molecular consequence: missense variant.
Genome position (GRCh38, 1-based): chr14:67,761,539, G>A on the plus strand (C>T on the coding strand, the complement: ZFYVE26 is on the minus strand). VCF-style: chr14-67761539-G-A. GRCh37 (hg19) VCF-style: chr14-68228256-G-A.
Other names: short protein forms L2139F.
Identifiers: ClinVar variation 1697197 (VCV001697197.3), dbSNP rs771935696, ClinGen allele CA7239226.